The following is an entry in ClinVar:

NM_014028.4(OSTM1):c.431G>A (p.Arg144Lys)

Gene: OSTM1 (osteoclastogenesis associated transmembrane protein 1; minus strand). Cytogenetic location: 6q21.
Variant type: single nucleotide variant.
Coding change: c.431G>A on transcript NM_014028.4 (MANE Select); coding-DNA position 431, G replaced by A.
Protein change: p.Arg144Lys; replaces arginine 144 with lysine.
Molecular consequence: missense variant.
Genome position (GRCh38, 1-based): chr6:108,064,271, C>T on the plus strand (G>A on the coding strand, the complement: OSTM1 is on the minus strand). VCF-style: chr6-108064271-C-T. GRCh37 (hg19) VCF-style: chr6-108385475-C-T.
Other names: c.431G>A (NM_014028.3); short protein forms R144K.
Identifiers: ClinVar variation 1429749 (VCV001429749.4), dbSNP rs770042923, ClinGen allele CA3948055.

ClinVar aggregate classification (germline): Uncertain significance. Review status: criteria provided, multiple submitters, no conflicts (2 of 4 stars). 2 submissions from 2 submitters: Uncertain significance (2). Last evaluated 2025-08-11.

Conditions:
Inborn genetic diseases. Identifiers: MedGen C0950123, MeSH D030342.

Allele frequency attached by ClinVar (database versions not stated): gnomAD exomes 0.00002 and 0.00011; TOPMed 0.00003; ExAC 0.00007; gnomAD 0.00001.
gnomAD v4.1: 33 of 1,589,936 alleles (0.0021%); highest among the groups gnomAD compares: Admixed American, 0.052%; no homozygotes.

Submissions (2):

Ambry Genetics
Classification: Uncertain significance for Inborn genetic diseases. Last evaluated: 2025-08-11. Review status: criteria provided, single submitter. Criteria: Ambry Variant Classification Scheme 2023. Collection method: clinical testing. Allele origin: germline.

Labcorp Genetics (formerly Invitae), Labcorp
Classification: Uncertain significance. Last evaluated: 2022-04-25. Review status: criteria provided, single submitter. Criteria: Invitae Variant Classification Sherloc (09022015). Collection method: clinical testing. Allele origin: germline.
Comment: This sequence change replaces arginine, which is basic and polar, with lysine, which is basic and polar, at codon 144 of the OSTM1 protein (p.Arg144Lys). This variant is present in population databases (rs770042923, gnomAD 0.07%). This variant has not been reported in the literature in individuals affected with OSTM1-related conditions. Algorithms developed to predict the effect of missense changes on protein structure and function output the following: SIFT: "Tolerated"; PolyPhen-2: "Benign"; Align-GVGD: "Class C0". The lysine amino acid residue is found in multiple mammalian species, which suggests that this missense change does not adversely affect protein function. In summary, the available evidence is currently insufficient to determine the role of this variant in disease. Therefore, it has been classified as a Variant of Uncertain Significance.